The following is an entry in ClinVar:

ClinVar aggregate classification (germline): Conflicting classifications of pathogenicity. Review status: criteria provided, conflicting classifications (1 of 4 stars). 10 submissions from 10 submitters: Uncertain significance (1); Likely benign (8). 1 of the submissions does not count toward it. Last evaluated 2026-01-27.

Conditions:
BARD1-related disorder. Also called: BARD1-related condition.
Breast and/or ovarian cancer. Identifiers: MedGen CN221562.
Hereditary cancer-predisposing syndrome. Also called: Tumor predisposition; Neoplastic Syndromes, Hereditary; Hereditary Cancer Syndrome; Hereditary neoplastic syndrome. Identifiers: Orphanet 140162, MedGen C0027672, MeSH D009386, MONDO:0015356.
Familial cancer of breast. Also called: hereditary breast carcinoma; BREAST CANCER, FAMILIAL; Hereditary breast cancer. Identifiers: Orphanet 227535, MedGen C0346153, MONDO:0016419, OMIM 114480. Disease mechanism: loss of function.

Allele frequency attached by ClinVar (database versions not stated): ExAC 0.00002; gnomAD exomes 0.00002; TOPMed 0.00002.
gnomAD v4.1: 35 of 1,612,126 alleles (0.0022%); highest among the groups gnomAD compares: Non-Finnish European, 0.0027%; no homozygotes.

Submissions (10):

Labcorp Genetics (formerly Invitae), Labcorp
Classification: Likely benign for Familial cancer of breast. Last evaluated: 2026-01-27. Review status: criteria provided, single submitter. Criteria: Invitae Variant Classification Sherloc (09022015). Collection method: clinical testing. Allele origin: germline.

CeGaT Center for Human Genetics Tuebingen
Classification: Likely benign. Last evaluated: 2025-10-01. Review status: criteria provided, single submitter. Criteria: CeGaT Center For Human Genetics Tuebingen Variant Classification Criteria Version 2. Collection method: clinical testing. Allele origin: germline. Affected: yes. Observed: 1 variant allele.
Comment: BARD1: BP4, BP7

Myriad Genetics, Inc.
Classification: Likely benign for Familial cancer of breast. Last evaluated: 2024-07-18. Review status: criteria provided, single submitter. Criteria: Myriad Autosomal Dominant, Autosomal Recessive and X-Linked Classification Criteria (2023). Collection method: clinical testing. Allele origin: unknown.
Comment: This variant is considered likely benign. This variant is a silent/synonymous amino acid change and it is not expected to impact splicing.

Blueprint Genetics
Classification: Likely benign. Last evaluated: 2023-08-29. Review status: criteria provided, single submitter. Criteria: ACMG Guidelines, 2015. Collection method: clinical testing. Allele origin: germline.

CHEO Genetics Diagnostic Laboratory, Children's Hospital of Eastern Ontario
Classification: Uncertain significance for Breast and/or ovarian cancer. Last evaluated: 2022-07-04. Review status: criteria provided, single submitter. Criteria: ACMG Guidelines, 2015. Collection method: clinical testing. Allele origin: germline.

GeneDx
Classification: Likely benign. Last evaluated: 2021-10-11. Review status: criteria provided, single submitter. Criteria: GeneDx Variant Classification Process June 2021. Collection method: clinical testing. Allele origin: germline. Affected: yes.
Comment: This variant is associated with the following publications: (PMID: 26787654)

Quest Diagnostics Nichols Institute San Juan Capistrano
Classification: Likely benign. Last evaluated: 2019-06-23. Review status: criteria provided, single submitter. Criteria: Quest Diagnostics criteria. Collection method: clinical testing. Allele origin: germline.

Color Diagnostics, LLC DBA Color Health
Classification: Likely benign for Hereditary cancer-predisposing syndrome. Last evaluated: 2017-01-03. Review status: criteria provided, single submitter. Criteria: ACMG Guidelines, 2015. Collection method: clinical testing. Allele origin: germline.

Ambry Genetics
Classification: Likely benign for Hereditary cancer-predisposing syndrome. Last evaluated: 2014-09-11. Review status: criteria provided, single submitter. Criteria: Ambry Variant Classification Scheme 2023. Collection method: clinical testing. Allele origin: germline.

PreventionGenetics, part of Exact Sciences
Classification: Likely benign for BARD1-related condition. Last evaluated: 2020-07-24. Review status: no assertion criteria provided. Collection method: clinical testing. Allele origin: germline. Not counted in ClinVar's aggregate classification.
Comment: This variant is classified as likely benign based on ACMG/AMP sequence variant interpretation guidelines (Richards et al. 2015 PMID: 25741868, with internal and published modifications).

NM_000465.4(BARD1):c.159T>C (p.Cys53=)

Gene: BARD1 (BRCA1 associated RING domain 1; minus strand). Cytogenetic location: 2q35.
Variant type: single nucleotide variant.
Coding change: c.159T>C on transcript NM_000465.4 (MANE Select); coding-DNA position 159, T replaced by C.
Protein change: p.Cys53=; no amino-acid change (cysteine 53 retained).
Molecular consequence: synonymous variant. On other transcripts: non-coding transcript variant (2), intron variant (2).
Genome position (GRCh38, 1-based): chr2:214,797,117, A>G on the plus strand (T>C on the coding strand, the complement: BARD1 is on the minus strand). VCF-style: chr2-214797117-A-G. GRCh37 (hg19) VCF-style: chr2-215661841-A-G.
Other names: c.159T>C, p.Cys53= (NM_001282545.2, NM_001282549.2); c.158+12295T>C (NM_001282548.2); c.159-4672T>C (NM_001282543.2).
Identifiers: ClinVar variation 186245 (VCV000186245.35), dbSNP rs201708813, ClinGen allele CA194230.